The following is an entry in ClinVar:

NM_021167.5(GATAD1):c.314C>T (p.Ala105Val)

Gene: GATAD1 (GATA zinc finger domain containing 1; plus strand). Cytogenetic location: 7q21.2.
Variant type: single nucleotide variant.
Coding change: c.314C>T on transcript NM_021167.5 (MANE Select); coding-DNA position 314, C replaced by T.
Protein change: p.Ala105Val; replaces alanine 105 with valine.
Molecular consequence: missense variant. On other transcripts: non-coding transcript variant (1).
Genome position (GRCh38, 1-based): chr7:92,448,816, C>T. VCF-style: chr7-92448816-C-T. GRCh37 (hg19) VCF-style: chr7-92078130-C-T.
Other names: short protein forms A105V.
Identifiers: ClinVar variation 4028556 (VCV004028556.1).

ClinVar aggregate classification (germline): Uncertain significance (1 of 4 stars; one submission).

Conditions:
Cardiovascular phenotype. Identifiers: MedGen CN230736.

Submission:

Ambry Genetics
Classification: Uncertain significance for Cardiovascular phenotype. Last evaluated: 2025-04-05. Review status: criteria provided, single submitter. Criteria: Ambry Variant Classification Scheme 2023. Collection method: clinical testing. Allele origin: germline.
Comment: The p.A105V variant (also known as c.314C>T), located in coding exon 2 of the GATAD1 gene, results from a C to T substitution at nucleotide position 314. The alanine at codon 105 is replaced by valine, an amino acid with similar properties. This amino acid position is conserved. In addition, the in silico prediction for this alteration is inconclusive. Based on the available evidence, the clinical significance of this variant remains unclear.